The following is an entry in ClinVar:

ClinVar aggregate classification (germline): Pathogenic (1 of 4 stars; one submission).

Conditions:
Neurofibromatosis, type 1 (NF1). Also called: Peripheral type neurofibromatosis; VON RECKLINGHAUSEN DISEASE; NEUROFIBROMATOSIS, TYPE I, SOMATIC; Neurofibromatosis, type I. Identifiers: Orphanet 636, MedGen C0027831, MONDO:0018975, OMIM 162200. Disease mechanism: loss of function.

Submission:

Labcorp Genetics (formerly Invitae), Labcorp
Classification: Pathogenic for Neurofibromatosis, type 1. Last evaluated: 2022-11-09. Review status: criteria provided, single submitter. Criteria: Invitae Variant Classification Sherloc (09022015). Collection method: clinical testing. Allele origin: germline.
Comment: For these reasons, this variant has been classified as Pathogenic. A similar copy number variant has been observed in individual(s) with clinical features of neurofibromatosis type 1 (Invitae). In at least one individual the variant was observed to be de novo. This variant results in a copy number gain of the genomic region encompassing exon(s) 36-43 of the NF1 gene. While the exact position of this variant cannot be determined from the data, sub-genic copy number gains are generally in tandem (PMID: 25640679). This variant is predicted to be in-frame, and likely preserves the integrity of the reading frame.

Literature cited by the submitters: PubMed 25640679.

NC_000017.10:g.(?_29652818)_(29664918_?)dup

Gene: NF1 (neurofibromin 1; plus strand). Cytogenetic location: 17q11.2.
Variant type: Duplication.
Identifiers: ClinVar variation 2422740 (VCV002422740.4).